The following is an entry in ClinVar:

ClinVar aggregate classification (germline): Benign/Likely benign. Review status: criteria provided, multiple submitters, no conflicts (2 of 4 stars). 3 submissions from 3 submitters: Benign (2); Likely benign (1). Last evaluated 2026-02-02.

Conditions:
Fraser syndrome 1 (FRASRS1). Also called: CRYPTOPHTHALMOS WITH OTHER MALFORMATIONS. Identifiers: Orphanet 2052, MedGen C4551480, MONDO:0054737, OMIM 219000.

Allele frequency attached by ClinVar (database versions not stated): ESP Exome Variant Server 0.00032; gnomAD 0.00034; TOPMed 0.00041; 1000 Genomes Project 30x 0.00094; 1000 Genomes Project 0.00100.
gnomAD v4.1: 612 of 1,613,754 alleles (0.038%); highest among the groups gnomAD compares: East Asian, 0.64%; 1 homozygote.

Submissions (3):

Labcorp Genetics (formerly Invitae), Labcorp
Classification: Benign. Last evaluated: 2026-02-02. Review status: criteria provided, single submitter. Criteria: Invitae Variant Classification Sherloc (09022015). Collection method: clinical testing. Allele origin: germline.

Blueprint Genetics
Classification: Benign. Last evaluated: 2024-11-07. Review status: criteria provided, single submitter. Criteria: ACMG Guidelines, 2015. Collection method: clinical testing. Allele origin: germline.

Illumina Laboratory Services, Illumina
Classification: Likely benign for Fraser syndrome 1. Last evaluated: 2018-01-13. Review status: criteria provided, single submitter. Criteria: ICSL Variant Classification Criteria 13 December 2019. Collection method: clinical testing. Allele origin: germline.
Comment: This variant was observed in the ICSL laboratory as part of a predisposition screen in an ostensibly healthy population. It had not been previously curated by ICSL or reported in the Human Gene Mutation Database (HGMD: prior to June 1st, 2018), and was therefore a candidate for classification through an automated scoring system. Utilizing variant allele frequency, disease prevalence and penetrance estimates, and inheritance mode, an automated score was calculated to assess if this variant is too frequent to cause the disease. Based on the score and internal cut-off values, a variant classified as likely benign is not then subjected to further curation. The score for this variant resulted in a classification of likely benign for this disease.

NM_025074.7(FRAS1):c.1820-11C>G

Gene: FRAS1 (Fraser extracellular matrix complex subunit 1; plus strand). Cytogenetic location: 4q21.21.
Variant type: single nucleotide variant.
Coding change: c.1820-11C>G on transcript NM_025074.7 (MANE Select); 11 bases into the intron before coding-DNA position 1820, C replaced by G.
Molecular consequence: intron variant.
Genome position (GRCh38, 1-based): chr4:78,317,357, C>G. VCF-style: chr4-78317357-C-G. GRCh37 (hg19) VCF-style: chr4-79238511-C-G.
Other names: c.1820-11C>G (NM_001166133.2).
Identifiers: ClinVar variation 349686 (VCV000349686.13), dbSNP rs117925872, ClinGen allele CA2976456.